The following is an entry in ClinVar:

NM_001191016.3(CASP12):c.*6A>G

Gene: CASP12 (caspase 12 (gene/pseudogene); minus strand). Cytogenetic location: 11q22.3.
Variant type: single nucleotide variant.
Coding change: c.*6A>G on transcript NM_001191016.3 (MANE Select); 6 bases downstream of the stop codon, A replaced by G.
Molecular consequence: 3 prime UTR variant. On other transcripts: non-coding transcript variant (9).
Genome position (GRCh38, 1-based): chr11:104,886,708, T>C on the plus strand (A>G on the coding strand, the complement: CASP12 is on the minus strand). VCF-style: chr11-104886708-T-C. GRCh37 (hg19) VCF-style: chr11-104757435-T-C.
Identifiers: ClinVar variation 3044759 (VCV003044759.2), dbSNP rs548925477, ClinGen allele CA6256325.

ClinVar aggregate classification (germline): Benign (0 of 4 stars; one submission).

Conditions:
CASP12-related disorder. Also called: CASP12-related condition.

Allele frequency attached by ClinVar (database versions not stated): gnomAD exomes 0.00025; ExAC 0.00058; gnomAD 0.00224; 1000 Genomes Project 0.00240; 1000 Genomes Project 30x 0.00265; TOPMed 0.00292.

Submission:

PreventionGenetics, part of Exact Sciences
Classification: Benign for CASP12-related condition. Last evaluated: 2019-06-05. Review status: no assertion criteria provided. Collection method: clinical testing. Allele origin: germline.
Comment: This variant is classified as benign based on ACMG/AMP sequence variant interpretation guidelines (Richards et al. 2015 PMID: 25741868, with internal and published modifications).